The following is an entry in ClinVar:

NC_000009.12:g.70809994C>T

Genes: MIR204 (microRNA 204; minus strand), TRPM3 (transient receptor potential cation channel subfamily M member 3; minus strand). Cytogenetic location: 9q21.12.
Variant type: single nucleotide variant.
Molecular consequence: intron variant (on NM_001366145.2). On other transcripts: non-coding transcript variant (1).
Genome position: GRCh38 VCF-style: chr9-70809994-C-T. GRCh37 (hg19) VCF-style: chr9-73424910-C-T.
Other names: c.979+17853G>A (NM_001366143.2, NM_001366141.2, NM_001366142.2 and 1 more transcripts); c.973+17853G>A (NM_001366150.2, NM_001366151.2, NM_001007471.4 and 4 more transcripts); c.1048+1176G>A (NM_001366148.2, NM_001366152.2, NM_001366147.2); c.514+17853G>A (NM_206944.5, NM_020952.6, NM_206945.5 and 3 more transcripts); c.589+1176G>A (NM_206947.5, NM_206946.5, NM_001007470.3).
Identifiers: ClinVar variation 1628316 (VCV001628316.10), dbSNP rs374947690, ClinGen allele CA5078765.
Genomic context (GRCh38, chr9:70,809,994, plus strand): 5'-ATCCCAATGCATTTGATGATGGTGCAATGATCAAAAAAGATGCCAGTGATGACAATTGAA[C>T]GTCCCTTTGCCTTCCCAGCCTCCTTCATATATTCTCAGGCATAGGATGACAAAGGGAAGT-3'

ClinVar aggregate classification (germline): Benign/Likely benign. Review status: criteria provided, multiple submitters, no conflicts (2 of 4 stars). 2 submissions from 2 submitters: Benign (1); Likely benign (1). Last evaluated 2026-07-01.

Allele frequency attached by ClinVar (database versions not stated): gnomAD 0.00006 and 0.00022; TOPMed 0.00009; ESP Exome Variant Server 0.00019; 1000 Genomes Project 0.00060; 1000 Genomes Project 30x 0.00078; gnomAD exomes 0.00091 and 0.00122; ExAC 0.00103.
gnomAD v4.1: 485 of 534,740 alleles (0.091%); highest among the groups gnomAD compares: South Asian, 0.63%; 8 homozygotes.

Submissions (2):

CeGaT Center for Human Genetics Tuebingen
Classification: Likely benign. Last evaluated: 2026-07-01. Review status: criteria provided, single submitter. Criteria: CeGaT Center For Human Genetics Tuebingen Variant Classification Criteria Version 2. Collection method: clinical testing. Allele origin: germline. Affected: yes. Observed: 2 variant alleles.
Comment: MIR204: BS2

Labcorp Genetics (formerly Invitae), Labcorp
Classification: Benign. Last evaluated: 2026-01-12. Review status: criteria provided, single submitter. Criteria: Invitae Variant Classification Sherloc (09022015). Collection method: clinical testing. Allele origin: germline.